The following is an entry in ClinVar:

NM_001131016.2(CIZ1):c.2280G>C (p.Glu760Asp)

Gene: CIZ1 (CDKN1A interacting zinc finger protein 1; minus strand). Cytogenetic location: 9q34.11.
Variant type: single nucleotide variant.
Coding change: c.2280G>C on transcript NM_001131016.2 (MANE Select); coding-DNA position 2280, G replaced by C.
Protein change: p.Glu760Asp; replaces glutamic acid 760 with aspartic acid.
Molecular consequence: missense variant.
Genome position (GRCh38, 1-based): chr9:128,169,067, C>G on the plus strand (G>C on the coding strand, the complement: CIZ1 is on the minus strand). VCF-style: chr9-128169067-C-G. GRCh37 (hg19) VCF-style: chr9-130931346-C-G.
Other names: c.2112G>C, p.Glu704Asp (NM_001131015.2); c.2097G>C, p.Glu699Asp (NM_001131017.2); c.2040G>C, p.Glu680Asp (NM_001131018.2); c.2448G>C, p.Glu816Asp (NM_001257975.2); c.1977G>C, p.Glu659Asp (NM_001257976.2); c.2280G>C, p.Glu760Asp (NM_012127.3); short protein forms E680D, E699D, E816D, E704D, E659D, E760D.
Identifiers: ClinVar variation 4707208 (VCV004707208.1).
Genomic context (GRCh38, chr9:128,169,067, plus strand): 5'-GGGAATCCAGCACCAAGCCCGCCTCCCACACCCTCCCCCCAGCACCTGCTTGCAGAGTTC[C>G]TCCTCAACCTCGATCTCTTCTTCATCCTCATCATCCTCTTCCTCTTCTTCATCACCCTCG-3'
Protein context (NP_001124488.1, residues 750-770): DEDEEEIEVE[Glu760Asp]ELCKQVRSRD

ClinVar aggregate classification (germline): Uncertain significance (1 of 4 stars; one submission).

Conditions:
Dystonic disorder. Also called: Dystonia. Identifiers: MedGen C0013421, MONDO:0003441, HP:0001332.

gnomAD v4.1: 1 of 1,614,164 alleles (0.000062%); highest among the groups gnomAD compares: Admixed American, 0.0017%; no homozygotes.

Submission:

Labcorp Genetics (formerly Invitae), Labcorp
Classification: Uncertain significance for Dystonic disorder. Last evaluated: 2025-12-13. Review status: criteria provided, single submitter. Criteria: Invitae Variant Classification Sherloc (09022015). Collection method: clinical testing. Allele origin: germline.
Comment: This sequence change replaces glutamic acid, which is acidic and polar, with aspartic acid, which is acidic and polar, at codon 760 of the CIZ1 protein (p.Glu760Asp). This variant is present in population databases (no rsID available, gnomAD 0.003%). This variant has not been reported in the literature in individuals affected with CIZ1-related conditions. An algorithm developed to predict the effect of missense changes on protein structure and function (PolyPhen-2) suggests that this variant is likely to be tolerated. In summary, the available evidence is currently insufficient to determine the role of this variant in disease. Therefore, it has been classified as a Variant of Uncertain Significance.